The following is an entry in ClinVar:

ClinVar aggregate classification (germline): Pathogenic (1 of 4 stars; one submission).

Submission:

Labcorp Genetics (formerly Invitae), Labcorp
Classification: Pathogenic. Last evaluated: 2025-10-13. Review status: criteria provided, single submitter. Criteria: Invitae Variant Classification Sherloc (09022015). Collection method: clinical testing. Allele origin: germline.
Comment: This sequence change creates a premature translational stop signal (p.Ser75Valfs*17) in the RMND1 gene. It is expected to result in an absent or disrupted protein product. Loss-of-function variants in RMND1 are known to be pathogenic (PMID: 27412952). This variant is not present in population databases (gnomAD no frequency). This variant has not been reported in the literature in individuals affected with RMND1-related conditions. ClinVar contains an entry for this variant (Variation ID: 2002772). For these reasons, this variant has been classified as Pathogenic.

Literature cited by the submitters: PubMed 27412952.

NM_017909.4(RMND1):c.221dup (p.Ser75fs)

Gene: RMND1 (required for meiotic nuclear division 1 homolog; minus strand). Cytogenetic location: 6q25.1.
Variant type: Duplication.
Coding change: c.221dup on transcript NM_017909.4 (MANE Select); coding-DNA position 221, one base duplicated (A; older notation c.221dupA).
Protein change: p.Ser75fs; shifts the reading frame from serine 75.
Molecular consequence: frameshift variant. On other transcripts: intron variant (1).
Genome position (GRCh38, 1-based): chr6:151,445,591, T duplicated on the plus strand (A on the coding strand, the reverse complement: RMND1 is on the minus strand); the first of 7 consecutive T bases (chr6:151,445,591-151,445,597); duplicating any one gives the same sequence. VCF-style (leftmost placement, unchanged base first): chr6-151445590-C-CT. GRCh37 (hg19) VCF-style: chr6-151766725-C-CT.
Other names: c.-7+6425dup (NM_001271937.2); short protein forms S75fs.
Identifiers: ClinVar variation 2002772 (VCV002002772.4), dbSNP rs2485962955, ClinGen allele CA2580075198.
Genomic context (GRCh38, chr6:151,445,590, plus strand): 5'-GTGTGCCTTTTCATCTTGGCAACGAGCAGCATTTAATGGAGACAGCATGCTGGTATCTGA[C>CT]TTTTTTTGGTTCATTTCCAGGATCTGAGACTTATTCAAACCACTAGCTGTTTTATCAGGA-3'